The following is an entry in ClinVar:

ClinVar aggregate classification (germline): Benign/Likely benign. Review status: criteria provided, multiple submitters, no conflicts (2 of 4 stars). 5 submissions from 5 submitters: Benign (2); Likely benign (3). Last evaluated 2026-02-04.

Conditions:
Trimethylaminuria (TMAU). Also called: Fish malodor syndrome; Stale fish syndrome; TMAuria; FISH-ODOR SYNDROME; Primary Trimethylaminuria. Identifiers: MedGen C0342739, MONDO:0011182, OMIM 602079, HP:0003614. Disease mechanism: loss of function.

Allele frequency attached by ClinVar (database versions not stated): gnomAD exomes 0.00128 and 0.00361; ExAC 0.00457; 1000 Genomes Project 30x 0.01343; 1000 Genomes Project 0.01378; gnomAD 0.01455 and 0.01554; TOPMed 0.01574; ESP Exome Variant Server 0.01615.
gnomAD v4.1: 4,123 of 1,588,188 alleles (0.26%); highest among the groups gnomAD compares: African/African-American, 4.9%; 91 homozygotes.

Submissions (5):

Labcorp Genetics (formerly Invitae), Labcorp
Classification: Benign. Last evaluated: 2026-02-04. Review status: criteria provided, single submitter. Criteria: Invitae Variant Classification Sherloc (09022015). Collection method: clinical testing. Allele origin: germline.

Blueprint Genetics
Classification: Likely benign. Last evaluated: 2024-11-13. Review status: criteria provided, single submitter. Criteria: ACMG Guidelines, 2015. Collection method: clinical testing. Allele origin: germline.

Illumina Laboratory Services, Illumina
Classification: Likely benign for Trimethylaminuria. Last evaluated: 2017-04-27. Review status: criteria provided, single submitter. Criteria: ICSL Variant Classification Criteria 13 December 2019. Collection method: clinical testing. Allele origin: germline.
Comment: This variant was observed as part of a predisposition screen in an ostensibly healthy population. A literature search was performed for the gene, cDNA change, and amino acid change (where applicable). Publications were found based on this search. The evidence from the literature, in combination with allele frequency data from public databases where available, was sufficient to determine this variant is unlikely to cause disease. Therefore, this variant is classified as likely benign.

Breakthrough Genomics
Classification: Likely benign. Review status: criteria provided, single submitter. Criteria: ACMG Guidelines, 2015. Collection method: not provided. Allele origin: germline. Inheritance: Autosomal recessive inheritance. Affected: yes.

PreventionGenetics, part of Exact Sciences
Classification: Benign. Review status: criteria provided, single submitter. Criteria: ACMG Guidelines, 2015. Collection method: clinical testing. Allele origin: germline.

Literature cited by the submitters: PubMed 16296944 (cited by Illumina Laboratory Services, Illumina); PubMed 23567996 (cited by Illumina Laboratory Services, Illumina); PubMed 12678693 (cited by Illumina Laboratory Services, Illumina); PubMed 15203093 (cited by Illumina Laboratory Services, Illumina).

NM_001002294.3(FMO3):c.830T>C (p.Val277Ala)

Gene: FMO3 (flavin containing dimethylaniline monoxygenase 3; plus strand). Cytogenetic location: 1q24.3.
Variant type: single nucleotide variant.
Coding change: c.830T>C on transcript NM_001002294.3 (MANE Select); coding-DNA position 830, T replaced by C.
Protein change: p.Val277Ala; replaces valine 277 with alanine.
Molecular consequence: missense variant.
Genome position (GRCh38, 1-based): chr1:171,114,009, T>C. VCF-style: chr1-171114009-T-C. GRCh37 (hg19) VCF-style: chr1-171083149-T-C.
Other names: c.770T>C, p.Val257Ala (NM_001319173.2); c.641T>C, p.Val214Ala (NM_001319174.2); c.830T>C, p.Val277Ala (NM_006894.6); short protein forms V277A, V214A, V257A.
Identifiers: ClinVar variation 260077 (VCV000260077.15), dbSNP rs2066530, ClinGen allele CA1240674.